The following is an entry in ClinVar:

NM_000211.5(ITGB2):c.514G>A (p.Val172Met)

Gene: ITGB2 (integrin subunit beta 2; minus strand). Cytogenetic location: 21q22.3.
Variant type: single nucleotide variant.
Coding change: c.514G>A on transcript NM_000211.5 (MANE Select); coding-DNA position 514, G replaced by A.
Protein change: p.Val172Met; replaces valine 172 with methionine.
Molecular consequence: missense variant.
Genome position (GRCh38, 1-based): chr21:44,901,719, C>T on the plus strand (G>A on the coding strand, the complement: ITGB2 is on the minus strand). VCF-style: chr21-44901719-C-T. GRCh37 (hg19) VCF-style: chr21-46321634-C-T.
Other names: c.514G>A, p.Val172Met (NM_001127491.3); c.307G>A, p.Val103Met (NM_001303238.2); short protein forms V103M, V172M.
Identifiers: ClinVar variation 1369453 (VCV001369453.6), dbSNP rs2083962040, ClinGen allele CA410476504.

ClinVar aggregate classification (germline): Uncertain significance (1 of 4 stars; one submission).

Conditions:
Leukocyte adhesion deficiency 1 (LAD1). Also called: LAD 1; Lymphocyte function-associated antigen 1 immunodeficiency; LFA 1 immunodeficiency; LEUKOCYTE ADHESION DEFICIENCY, TYPE I. Identifiers: Orphanet 2968, Orphanet 99842, MedGen C0398738, MONDO:0007293, OMIM 116920.

Allele frequency attached by ClinVar (database versions not stated): gnomAD exomes below 0.00001; TOPMed below 0.00001; gnomAD 0.00001.
gnomAD v4.1: 4 of 1,610,524 alleles (0.00025%); highest among the groups gnomAD compares: East Asian, 0.0022%; no homozygotes.

Submission:

Labcorp Genetics (formerly Invitae), Labcorp
Classification: Uncertain significance for Leukocyte adhesion deficiency 1. Last evaluated: 2021-07-24. Review status: criteria provided, single submitter. Criteria: Invitae Variant Classification Sherloc (09022015). Collection method: clinical testing. Allele origin: germline.
Comment: In summary, the available evidence is currently insufficient to determine the role of this variant in disease. Therefore, it has been classified as a Variant of Uncertain Significance. Algorithms developed to predict the effect of missense changes on protein structure and function are either unavailable or do not agree on the potential impact of this missense change (SIFT: "Deleterious"; PolyPhen-2: "Probably Damaging"; Align-GVGD: "Class C15"). This sequence change replaces valine with methionine at codon 172 of the ITGB2 protein (p.Val172Met). The valine residue is highly conserved and there is a small physicochemical difference between valine and methionine. This variant is not present in population databases (ExAC no frequency). This variant has not been reported in the literature in individuals affected with ITGB2-related conditions.